The following is an entry in ClinVar:

ClinVar aggregate classification (germline): Benign/Likely benign. Review status: criteria provided, multiple submitters, no conflicts (2 of 4 stars). 4 submissions from 3 submitters: Benign (2); Likely benign (1). 1 of the submissions does not count toward it. Last evaluated 2025-11-28.

Conditions:
Tangier disease (TGD). Also called: Cholesterol thesaurismosis; HIGH DENSITY LIPOPROTEIN DEFICIENCY, TANGIER TYPE; HIGH DENSITY LIPOPROTEIN DEFICIENCY, TYPE 1. Identifiers: Orphanet 31150, MedGen C0039292, MONDO:0008783, OMIM 205400.
Hypoalphalipoproteinemia, primary, 1. Identifiers: Orphanet 425, MedGen C5231558, MONDO:0011393, OMIM 604091.

Allele frequency attached by ClinVar (database versions not stated): ExAC 0.00001; gnomAD 0.00001; gnomAD exomes 0.00002 and 0.00004; TOPMed 0.00002.
gnomAD v4.1: 53 of 1,614,118 alleles (0.0033%); highest among the groups gnomAD compares: East Asian, 0.12%; no homozygotes.

Submissions (4):

Labcorp Genetics (formerly Invitae), Labcorp
Classification: Likely benign. Last evaluated: 2025-11-28. Review status: criteria provided, single submitter. Criteria: Invitae Variant Classification Sherloc (09022015). Collection method: clinical testing. Allele origin: germline.

Illumina Laboratory Services, Illumina
Classification: Benign for Tangier disease. Last evaluated: 2017-04-28. Review status: criteria provided, single submitter. Criteria: ICSL Variant Classification Criteria 13 December 2019. Collection method: clinical testing. Allele origin: germline.
Comment: This variant was observed as part of a predisposition screen in an ostensibly healthy population. A literature search was performed for the gene, cDNA change, and amino acid change (where applicable). Publications were found based on this search. The evidence from the literature, in combination with allele frequency data from public databases where available, was sufficient to rule this variant out of causing disease. Therefore, this variant is classified as benign.

Illumina Laboratory Services, Illumina
Classification: Benign for Hypoalphalipoproteinemia, primary, 1. Last evaluated: 2017-04-28. Review status: criteria provided, single submitter. Criteria: ICSL Variant Classification Criteria 13 December 2019. Collection method: clinical testing. Allele origin: germline.
Comment: the same text as in the submission from Illumina Laboratory Services, Illumina above.

OMIM
Classification: Pathogenic for TANGIER DISEASE. Last evaluated: 2001-07-27. Review status: no assertion criteria provided. Collection method: literature only. Allele origin: germline. Not counted in ClinVar's aggregate classification.

Literature cited by the submitters: PubMed 25215231 (cited by Illumina Laboratory Services, Illumina); PubMed 20656214 (cited by Illumina Laboratory Services, Illumina); PubMed 16873719 (cited by Illumina Laboratory Services, Illumina); PubMed 16429166 (cited by Illumina Laboratory Services, Illumina); PubMed 12111381 (cited by Illumina Laboratory Services, Illumina); PubMed 10706591 (cited by Illumina Laboratory Services, Illumina); PubMed 11476965 (cited by Illumina Laboratory Services, Illumina and OMIM).

NM_005502.4(ABCA1):c.3865G>A (p.Asp1289Asn)

Gene: ABCA1 (ATP binding cassette subfamily A member 1; minus strand). Cytogenetic location: 9q31.1.
Variant type: single nucleotide variant.
Coding change: c.3865G>A on transcript NM_005502.4 (MANE Select); coding-DNA position 3865, G replaced by A.
Protein change: p.Asp1289Asn; replaces aspartic acid 1289 with asparagine.
Molecular consequence: missense variant.
Genome position (GRCh38, 1-based): chr9:104,814,154, C>T on the plus strand (G>A on the coding strand, the complement: ABCA1 is on the minus strand). VCF-style: chr9-104814154-C-T. GRCh37 (hg19) VCF-style: chr9-107576435-C-T.
Other names: D1229N; short protein forms D1289N.
Identifiers: ClinVar variation 9503 (VCV000009503.6), dbSNP rs137854500, ClinGen allele CA120491.